The following is an entry in ClinVar:

NM_016507.4(CDK12):c.2545T>C (p.Tyr849His)

Gene: CDK12 (cyclin dependent kinase 12; plus strand). Cytogenetic location: 17q12.
Variant type: single nucleotide variant.
Coding change: c.2545T>C on transcript NM_016507.4 (MANE Select); coding-DNA position 2545, T replaced by C.
Protein change: p.Tyr849His; replaces tyrosine 849 with histidine.
Molecular consequence: missense variant.
Genome position (GRCh38, 1-based): chr17:39,501,375, T>C. VCF-style: chr17-39501375-T-C. GRCh37 (hg19) VCF-style: chr17-37657628-T-C.
Other names: c.2545T>C, p.Tyr849His (NM_015083.4); short protein forms Y849H.
Identifiers: ClinVar variation 4651474 (VCV004651474.1).

ClinVar aggregate classification (germline): Uncertain significance (1 of 4 stars; one submission).

gnomAD v4.1: 2 of 1,613,684 alleles (0.00012%); highest among the groups gnomAD compares: Non-Finnish European, 0.00017%; no homozygotes.

Submission:

Ambry Genetics
Classification: Uncertain significance. Last evaluated: 2025-11-30. Review status: criteria provided, single submitter. Criteria: Ambry Variant Classification Scheme 2023. Collection method: clinical testing. Allele origin: germline.
Comment: The p.Y849H variant (also known as c.2545T>C), located in coding exon 6 of the CDK12 gene, results from a T to C substitution at nucleotide position 2545. The tyrosine at codon 849 is replaced by histidine, an amino acid with similar properties. This amino acid position is conserved. In addition, this alteration is predicted to be deleterious by in silico analysis. Based on the available evidence, the clinical significance of this variant remains unclear.